The following is an entry in ClinVar:

ClinVar aggregate classification (germline): Pathogenic (1 of 4 stars; one submission).

Conditions:
Neurofibromatosis, type 1 (NF1). Also called: VON RECKLINGHAUSEN DISEASE; Neurofibromatosis, type I; Peripheral type neurofibromatosis; NEUROFIBROMATOSIS, TYPE I, SOMATIC. Identifiers: Orphanet 636, MedGen C0027831, MONDO:0018975, OMIM 162200. Disease mechanism: loss of function.

Submission:

Labcorp Genetics (formerly Invitae), Labcorp
Classification: Pathogenic for Neurofibromatosis, type 1. Last evaluated: 2023-08-23. Review status: criteria provided, single submitter. Criteria: Invitae Variant Classification Sherloc (09022015). Collection method: clinical testing. Allele origin: unknown.
Comment: For these reasons, this variant has been classified as Pathogenic. A similar copy number variant has been observed in individual(s) with clinical features of neurofibromatosis type 1 (PMID: 25631097). This variant is a gross deletion of the genomic region encompassing exon(s) 30 of the NF1 gene. This deletion is out-of-frame, and is expected to create a premature termination codon and result in an absent or disrupted protein product. Loss-of-function variants in NF1 are known to be pathogenic (PMID: 10712197, 23913538).

Literature cited by the submitters: PubMed 25631097; PubMed 10712197; PubMed 23913538.

NC_000017.10:g.(?_29575992)_(29577082_?)del

Gene: NF1 (neurofibromin 1; plus strand). Cytogenetic location: 17q11.2.
Variant type: Deletion.
Identifiers: ClinVar variation 3242848 (VCV003242848.1).